The following is an entry in ClinVar:

NM_001018005.2(TPM1):c.411T>A (p.Asp137Glu)

Gene: TPM1 (tropomyosin 1; plus strand). Cytogenetic location: 15q22.2.
Variant type: single nucleotide variant.
Coding change: c.411T>A on transcript NM_001018005.2 (MANE Select); coding-DNA position 411, T replaced by A.
Protein change: p.Asp137Glu; replaces aspartic acid 137 with glutamic acid.
Molecular consequence: missense variant.
Genome position (GRCh38, 1-based): chr15:63,059,599, T>A. VCF-style: chr15-63059599-T-A. GRCh37 (hg19) VCF-style: chr15-63351798-T-A.
Other names: c.411T>A, p.Asp137Glu (NM_000366.6, NM_001018004.2, NM_001018006.2 and 6 more transcripts); c.303T>A, p.Asp101Glu (NM_001018008.2, NM_001301289.2, NM_001330344.2 and 5 more transcripts); c.537T>A, p.Asp179Glu (NM_001365778.1); short protein forms D137E, D101E, D179E.
Identifiers: ClinVar variation 451125 (VCV000451125.2), dbSNP rs1555408631, ClinGen allele CA392722098.

ClinVar aggregate classification (germline): Uncertain significance (1 of 4 stars; one submission).

Submission:

GeneDx
Classification: Uncertain significance. Last evaluated: 2017-08-04. Review status: criteria provided, single submitter. Criteria: GeneDx Variant Classification (06012015). Collection method: clinical testing. Allele origin: germline. Affected: yes.
Comment: A variant of uncertain significance has been identified in the TPM1 gene. The D137E variant has not been published as pathogenic or been reported as benign to our knowledge. This variant is not observed in large population cohorts (Lek et al., 2016; 1000 Genomes Consortium et al., 2015; Exome Variant Server). This substitution occurs at a position that is conserved across species, and in silico analysis predicts this variant is probably damaging to the protein structure/function. However, the D137E variant is a conservative amino acid substitution, which is not likely to impact secondary protein structure as these residues share similar properties.